The following is an entry in ClinVar:

ClinVar aggregate classification (germline): Uncertain significance (1 of 4 stars; one submission).

gnomAD v4.1: 5 of 1,220,948 alleles (0.00041%); highest among the groups gnomAD compares: Non-Finnish European, 0.00051%; no homozygotes.

Submission:

CeGaT Center for Human Genetics Tuebingen
Classification: Uncertain significance. Last evaluated: 2022-07-01. Review status: criteria provided, single submitter. Criteria: CeGaT Center For Human Genetics Tuebingen Variant Classification Criteria Version 2. Collection method: clinical testing. Allele origin: germline. Affected: yes. Observed: 1 variant allele.
Comment: MAF: PM2

NM_005360.5(MAF):c.731G>T (p.Gly244Val)

Gene: MAF (MAF bZIP transcription factor; minus strand). Cytogenetic location: 16q23.2.
Variant type: single nucleotide variant.
Coding change: c.731G>T on transcript NM_005360.5 (MANE Select); coding-DNA position 731, G replaced by T.
Protein change: p.Gly244Val; replaces glycine 244 with valine.
Molecular consequence: missense variant.
Genome position (GRCh38, 1-based): chr16:79,599,172, C>A on the plus strand (G>T on the coding strand, the complement: MAF is on the minus strand). VCF-style: chr16-79599172-C-A. GRCh37 (hg19) VCF-style: chr16-79633069-C-A.
Other names: c.731G>T, p.Gly244Val (NM_001031804.3); short protein forms G244V.
Identifiers: ClinVar variation 1701296 (VCV001701296.31), dbSNP rs1423244186, ClinGen allele CA396535347.